The following is an entry in ClinVar:

ClinVar aggregate classification (germline): Uncertain significance. Review status: criteria provided, multiple submitters, no conflicts (2 of 4 stars). 2 submissions from 2 submitters: Uncertain significance (2). Last evaluated 2024-10-12.

Conditions:
Inborn genetic diseases. Identifiers: MedGen C0950123, MeSH D030342.

Allele frequency attached by ClinVar (database versions not stated): gnomAD exomes below 0.00001; TOPMed below 0.00001; ExAC 0.00001; gnomAD 0.00001.
gnomAD v4.1: 7 of 1,614,116 alleles (0.00043%); highest among the groups gnomAD compares: Non-Finnish European, 0.00059%; no homozygotes.

Submissions (2):

Ambry Genetics
Classification: Uncertain significance for Inborn genetic diseases. Last evaluated: 2024-10-12. Review status: criteria provided, single submitter. Criteria: Ambry Variant Classification Scheme 2023. Collection method: clinical testing. Allele origin: germline.

Labcorp Genetics (formerly Invitae), Labcorp
Classification: Uncertain significance. Last evaluated: 2022-08-09. Review status: criteria provided, single submitter. Criteria: Invitae Variant Classification Sherloc (09022015). Collection method: clinical testing. Allele origin: germline.
Comment: This variant has not been reported in the literature in individuals affected with SZT2-related conditions. This variant is present in population databases (rs764431397, gnomAD 0.0009%). This sequence change replaces glutamine, which is neutral and polar, with glutamic acid, which is acidic and polar, at codon 1061 of the SZT2 protein (p.Gln1061Glu). ClinVar contains an entry for this variant (Variation ID: 999364). In summary, the available evidence is currently insufficient to determine the role of this variant in disease. Therefore, it has been classified as a Variant of Uncertain Significance. Algorithms developed to predict the effect of missense changes on protein structure and function (SIFT, PolyPhen-2, Align-GVGD) all suggest that this variant is likely to be tolerated.

NM_001365999.1(SZT2):c.3352C>G (p.Gln1118Glu)

Gene: SZT2 (SZT2 subunit of KICSTOR complex; plus strand). Cytogenetic location: 1p34.2.
Variant type: single nucleotide variant.
Coding change: c.3352C>G on transcript NM_001365999.1 (MANE Select); coding-DNA position 3352, C replaced by G.
Protein change: p.Gln1118Glu; replaces glutamine 1118 with glutamic acid.
Molecular consequence: missense variant.
Genome position (GRCh38, 1-based): chr1:43,427,098, C>G. VCF-style: chr1-43427098-C-G. GRCh37 (hg19) VCF-style: chr1-43892769-C-G.
Other names: c.3181C>G (NM_015284.3); c.3181C>G, p.Gln1061Glu (NM_015284.4); short protein forms Q1061E, Q1118E.
Identifiers: ClinVar variation 999364 (VCV000999364.7), dbSNP rs764431397, ClinGen allele CA808965.
Genomic context (GRCh38, chr1:43,427,098, plus strand): 5'-TCTGTTTTTCTCTTACAGAGTGTAGGTCTTCCTGAAACTCTCAAGCCTCTCATCTCTGCC[C>G]AGCCCCCTCAGTGGCGCTGCTATGCAAGGCTTGTGAACCCCCAGCATGTGTTTCTGACTT-3'
Protein context (NP_001352928.1, residues 1108-1128): PETLKPLISA[Gln1118Glu]PPQWRCYARL